The following is an entry in ClinVar:

ClinVar aggregate classification (germline): Uncertain significance (1 of 4 stars; one submission).

Conditions:
Cardiovascular phenotype. Identifiers: MedGen CN230736.

Submission:

Ambry Genetics
Classification: Uncertain significance for Cardiovascular phenotype. Last evaluated: 2026-03-07. Review status: criteria provided, single submitter. Criteria: Ambry Variant Classification Scheme 2023. Collection method: clinical testing. Allele origin: germline.
Comment: The p.D459E variant (also known as c.1377T>A), located in coding exon 9 of the CBL gene, results from a T to A substitution at nucleotide position 1377. The aspartic acid at codon 459 is replaced by glutamic acid, an amino acid with highly similar properties. This amino acid position is conserved. In addition, this alteration is predicted to be tolerated by in silico analysis. Based on the available evidence, the clinical significance of this variant remains unclear.

NM_005188.4(CBL):c.1377T>A (p.Asp459Glu)

Gene: CBL (Cbl proto-oncogene; plus strand). Cytogenetic location: 11q23.3.
Variant type: single nucleotide variant.
Coding change: c.1377T>A on transcript NM_005188.4 (MANE Select); coding-DNA position 1377, T replaced by A.
Protein change: p.Asp459Glu; replaces aspartic acid 459 with glutamic acid.
Molecular consequence: missense variant.
Genome position (GRCh38, 1-based): chr11:119,278,659, T>A. VCF-style: chr11-119278659-T-A. GRCh37 (hg19) VCF-style: chr11-119149369-T-A.
Other names: short protein forms D459E.
Identifiers: ClinVar variation 4827370 (VCV004827370.1).